The following is an entry in ClinVar:

ClinVar aggregate classification (germline): Uncertain significance (1 of 4 stars; one submission).

Conditions:
Familial adenomatous polyposis 1 (FAP1). Also called: FAMILIAL ADENOMATOUS POLYPOSIS 1, ATTENUATED; POLYPOSIS, ADENOMATOUS INTESTINAL. Identifiers: MedGen C2713442, MONDO:0021056, OMIM 175100. Disease mechanism: loss of function.

gnomAD v4.1: 4 of 1,367,784 alleles (0.00029%); highest among the groups gnomAD compares: Non-Finnish European, 0.00039%; no homozygotes.

Submission:

Labcorp Genetics (formerly Invitae), Labcorp
Classification: Uncertain significance for Familial adenomatous polyposis 1. Last evaluated: 2025-09-10. Review status: criteria provided, single submitter. Criteria: Invitae Variant Classification Sherloc (09022015). Collection method: clinical testing. Allele origin: germline.
Comment: This variant occurs in a non-coding region of the APC gene. It does not change the encoded amino acid sequence of the APC protein. This variant is not present in population databases (gnomAD no frequency). This variant has not been reported in the literature in individuals affected with APC-related conditions. Experimental studies and prediction algorithms are not available or were not evaluated, and the functional significance of this variant is currently unknown. In summary, the available evidence is currently insufficient to determine the role of this variant in disease. Therefore, it has been classified as a Variant of Uncertain Significance.

NM_001127511.3(APC):c.-58T>C

Gene: APC (APC regulator of Wnt signaling pathway; plus strand). Cytogenetic location: 5q22.2.
Variant type: single nucleotide variant.
Coding change: c.-58T>C on transcript NM_001127511.3; 58 bases upstream of the start codon, T replaced by C.
Molecular consequence: 5 prime UTR variant. On other transcripts: non-coding transcript variant (1), intron variant (5).
Genome position (GRCh38, 1-based): chr5:112,707,660, T>C. VCF-style: chr5-112707660-T-C. GRCh37 (hg19) VCF-style: chr5-112043357-T-C.
Other names: c.-241T>C (NM_001354895.2, NM_001407447.1, NM_001407452.1 and 3 more transcripts); c.-58T>C (NM_001354897.2, NM_001354902.2, NM_001407446.1); c.-1276T>C (NM_001407470.1, NM_001407472.1); c.-19+11T>C (NM_001407448.1, NM_001407450.1, NM_001407457.1 and 1 more transcripts); c.-43+11T>C (NM_001407453.1).
Identifiers: ClinVar variation 1486022 (VCV001486022.6), dbSNP rs2149630082, ClinGen allele CA2573138791.